The following is an entry in ClinVar:

ClinVar aggregate classification (germline): Uncertain significance. Review status: criteria provided, multiple submitters, no conflicts (2 of 4 stars). 2 submissions from 2 submitters: Uncertain significance (2). Last evaluated 2025-03-06.

Allele frequency attached by ClinVar (database versions not stated): gnomAD exomes below 0.00001; TOPMed below 0.00001.
gnomAD v4.1: 3 of 1,614,066 alleles (0.00019%); highest among the groups gnomAD compares: Non-Finnish European, 0.00025%; no homozygotes.

Submissions (2):

Labcorp Genetics (formerly Invitae), Labcorp
Classification: Uncertain significance. Last evaluated: 2025-03-06. Review status: criteria provided, single submitter. Criteria: Invitae Variant Classification Sherloc (09022015). Collection method: clinical testing. Allele origin: germline.
Comment: This sequence change replaces isoleucine, which is neutral and non-polar, with asparagine, which is neutral and polar, at codon 704 of the COL7A1 protein (p.Ile704Asn). This variant is present in population databases (no rsID available, gnomAD 0.0009%). This variant has not been reported in the literature in individuals affected with COL7A1-related conditions. ClinVar contains an entry for this variant (Variation ID: 2506124). Invitae Evidence Modeling of protein sequence and biophysical properties (such as structural, functional, and spatial information, amino acid conservation, physicochemical variation, residue mobility, and thermodynamic stability) indicates that this missense variant is not expected to disrupt COL7A1 protein function with a negative predictive value of 95%. In summary, the available evidence is currently insufficient to determine the role of this variant in disease. Therefore, it has been classified as a Variant of Uncertain Significance.

Women's Health and Genetics/Laboratory Corporation of America, LabCorp
Classification: Uncertain significance. Last evaluated: 2023-05-10. Review status: criteria provided, single submitter. Criteria: LabCorp Variant Classification Summary - May 2015. Collection method: clinical testing. Allele origin: germline.

NM_000094.4(COL7A1):c.2111T>A (p.Ile704Asn)

Gene: COL7A1 (collagen type VII alpha 1 chain; minus strand). Cytogenetic location: 3p21.31.
Variant type: single nucleotide variant.
Coding change: c.2111T>A on transcript NM_000094.4 (MANE Select); coding-DNA position 2111, T replaced by A.
Protein change: p.Ile704Asn; replaces isoleucine 704 with asparagine.
Molecular consequence: missense variant.
Genome position (GRCh38, 1-based): chr3:48,589,658, A>T on the plus strand (T>A on the coding strand, the complement: COL7A1 is on the minus strand). VCF-style: chr3-48589658-A-T. GRCh37 (hg19) VCF-style: chr3-48627091-A-T.
Other names: short protein forms I704N.
Identifiers: ClinVar variation 2506124 (VCV002506124.2), dbSNP rs1332197316, ClinGen allele CA352725507.